The following is an entry in ClinVar:

NM_001134673.4(NFIA):c.1332G>A (p.Pro444=)

Gene: NFIA (nuclear factor I A; plus strand). Cytogenetic location: 1p31.3.
Variant type: single nucleotide variant.
Coding change: c.1332G>A on transcript NM_001134673.4 (MANE Select); coding-DNA position 1332, G replaced by A.
Protein change: p.Pro444=; no amino-acid change (proline 444 retained).
Molecular consequence: synonymous variant.
Genome position (GRCh38, 1-based): chr1:61,406,639, G>A. VCF-style: chr1-61406639-G-A. GRCh37 (hg19) VCF-style: chr1-61872311-G-A.
Other names: c.1308G>A, p.Pro436= (NM_001145511.2); c.1467G>A, p.Pro489= (NM_001145512.2); c.1332G>A, p.Pro444= (NM_005595.5).
Identifiers: ClinVar variation 1278583 (VCV001278583.11), dbSNP rs138132492, ClinGen allele CA881278.

ClinVar aggregate classification (germline): Benign/Likely benign. Review status: criteria provided, multiple submitters, no conflicts (2 of 4 stars). 3 submissions from 3 submitters: Benign (1); Likely benign (1). 1 of the submissions does not count toward it. Last evaluated 2025-10-30.

Conditions:
NFIA-Related Disorder. Also called: NFIA-related condition; NFIA-related disorders. Identifiers: MedGen CN381099.

Allele frequency attached by ClinVar (database versions not stated): ESP Exome Variant Server 0.00008; ExAC 0.00015; gnomAD exomes 0.00017; TOPMed 0.00026; gnomAD 0.00029 and 0.00033.
gnomAD v4.1: 146 of 1,398,024 alleles (0.01%); highest among the groups gnomAD compares: African/African-American, 0.069%; no homozygotes.

Submissions (3):

Labcorp Genetics (formerly Invitae), Labcorp
Classification: Likely benign. Last evaluated: 2025-10-30. Review status: criteria provided, single submitter. Criteria: Invitae Variant Classification Sherloc (09022015). Collection method: clinical testing. Allele origin: germline.

GeneDx
Classification: Benign. Last evaluated: 2020-09-01. Review status: criteria provided, single submitter. Criteria: GeneDx Variant Classification Process June 2021. Collection method: clinical testing. Allele origin: germline. Affected: yes.

PreventionGenetics, part of Exact Sciences
Classification: Likely benign for NFIA-related condition. Last evaluated: 2019-07-16. Review status: no assertion criteria provided. Collection method: clinical testing. Allele origin: germline. Not counted in ClinVar's aggregate classification.
Comment: This variant is classified as likely benign based on ACMG/AMP sequence variant interpretation guidelines (Richards et al. 2015 PMID: 25741868, with internal and published modifications).